The following is an entry in ClinVar:

ClinVar aggregate classification (germline): Conflicting classifications of pathogenicity. Review status: criteria provided, conflicting classifications (1 of 4 stars). 3 submissions from 3 submitters: Uncertain significance (1); Likely benign (1). 1 of the submissions does not count toward it. Last evaluated 2025-12-30.

Conditions:
Focal segmental glomerulosclerosis 9 (FSGS9). Identifiers: Orphanet 656, MedGen C4015555, MONDO:0014539, OMIM 616220.
Ventriculomegaly-cystic kidney disease. Also called: Ventriculomegaly with cystic kidney disease. Identifiers: Orphanet 443988, MedGen C1857423, MONDO:0009063, OMIM 219730.
CRB2-related disorder. Also called: CRB2-related disorders; CRB2-related condition.

Allele frequency attached by ClinVar (database versions not stated): gnomAD 0.00003 and 0.00004; ExAC 0.00013.
gnomAD v4.1: 67 of 1,562,206 alleles (0.0043%); highest among the groups gnomAD compares: Middle Eastern, 0.018%; no homozygotes.

Submissions (3):

Labcorp Genetics (formerly Invitae), Labcorp
Classification: Likely benign. Last evaluated: 2025-12-30. Review status: criteria provided, single submitter. Criteria: Invitae Variant Classification Sherloc (09022015). Collection method: clinical testing. Allele origin: germline.

Fulgent Genetics
Classification: Uncertain significance for Ventriculomegaly-cystic kidney disease; Focal segmental glomerulosclerosis 9. Last evaluated: 2024-02-27. Review status: criteria provided, single submitter. Criteria: ACMG Guidelines, 2015. Collection method: clinical testing. Allele origin: germline.

PreventionGenetics, part of Exact Sciences
Classification: Likely benign for CRB2-related condition. Last evaluated: 2024-01-02. Review status: no assertion criteria provided. Collection method: clinical testing. Allele origin: germline. Not counted in ClinVar's aggregate classification.
Comment: This variant is classified as likely benign based on ACMG/AMP sequence variant interpretation guidelines (Richards et al. 2015 PMID: 25741868, with internal and published modifications).

NM_173689.7(CRB2):c.966C>T (p.Asp322=)

Gene: CRB2 (crumbs cell polarity complex component 2; plus strand). Cytogenetic location: 9q33.3.
Variant type: single nucleotide variant.
Coding change: c.966C>T on transcript NM_173689.7 (MANE Select); coding-DNA position 966, C replaced by T.
Protein change: p.Asp322=; no amino-acid change (aspartic acid 322 retained).
Molecular consequence: synonymous variant.
Genome position (GRCh38, 1-based): chr9:123,367,598, C>T. VCF-style: chr9-123367598-C-T. GRCh37 (hg19) VCF-style: chr9-126129877-C-T.
Other names: c.966C>T (NM_173689.6).
Identifiers: ClinVar variation 1576581 (VCV001576581.11), dbSNP rs753016438, ClinGen allele CA5231859.
Genomic context (GRCh38, chr9:123,367,598, plus strand): 5'-GGTGCAGGTGGGACCCACAGCTGGGCCTCTTACAGGAGCCGACTGCGGTGTGGAGGTGGA[C>T]GAGTGTGCCTCACGGCCATGCCTCAACGGAGGCCACTGCCAGGACCTGCCCAATGGCTTC-3'
Protein context (NP_775960.4, residues 312-332): FEGADCGVEV[Asp322=]ECASRPCLNG